The following is an entry in ClinVar:

ClinVar aggregate classification (germline): Uncertain significance (1 of 4 stars; one submission).

gnomAD v4.1: 5 of 1,609,772 alleles (0.00031%); highest among the groups gnomAD compares: Non-Finnish European, 0.00042%; no homozygotes.

Submission:

Labcorp Genetics (formerly Invitae), Labcorp
Classification: Uncertain significance. Last evaluated: 2022-02-09. Review status: criteria provided, single submitter. Criteria: Invitae Variant Classification Sherloc (09022015). Collection method: clinical testing. Allele origin: germline.
Comment: In summary, the available evidence is currently insufficient to determine the role of this variant in disease. Therefore, it has been classified as a Variant of Uncertain Significance. Algorithms developed to predict the effect of missense changes on protein structure and function are either unavailable or do not agree on the potential impact of this missense change (SIFT: "Tolerated"; PolyPhen-2: "Possibly Damaging"; Align-GVGD: "Class C0"). This variant has not been reported in the literature in individuals affected with EFL1-related conditions. This variant is not present in population databases (gnomAD no frequency). This sequence change replaces valine, which is neutral and non-polar, with isoleucine, which is neutral and non-polar, at codon 685 of the EFL1 protein (p.Val685Ile).

NM_024580.6(EFL1):c.2053G>A (p.Val685Ile)

Gene: EFL1 (elongation factor like GTPase 1; minus strand). Cytogenetic location: 15q25.2.
Variant type: single nucleotide variant.
Coding change: c.2053G>A on transcript NM_024580.6 (MANE Select); coding-DNA position 2053, G replaced by A.
Protein change: p.Val685Ile; replaces valine 685 with isoleucine.
Molecular consequence: missense variant. On other transcripts: non-coding transcript variant (1).
Genome position (GRCh38, 1-based): chr15:82,152,401, C>T on the plus strand (G>A on the coding strand, the complement: EFL1 is on the minus strand). VCF-style: chr15-82152401-C-T. GRCh37 (hg19) VCF-style: chr15-82444742-C-T.
Other names: c.1900G>A, p.Val634Ile (NM_001040610.3); c.1264G>A, p.Val422Ile (NM_001322844.2); c.2053G>A, p.Val685Ile (NM_001322845.2); short protein forms V422I, V634I, V685I.
Identifiers: ClinVar variation 2095351 (VCV002095351.4), dbSNP rs568840186, ClinGen allele CA273470877.